The following is an entry in ClinVar:

ClinVar aggregate classification (germline): Uncertain significance (1 of 4 stars; one submission).

Submission:

Labcorp Genetics (formerly Invitae), Labcorp
Classification: Uncertain significance. Last evaluated: 2025-08-14. Review status: criteria provided, single submitter. Criteria: Invitae Variant Classification Sherloc (09022015). Collection method: clinical testing. Allele origin: germline.
Comment: This sequence change replaces alanine, which is neutral and non-polar, with threonine, which is neutral and polar, at codon 456 of the NSD2 protein (p.Ala456Thr). This variant is not present in population databases (gnomAD no frequency). This variant has not been reported in the literature in individuals affected with NSD2-related conditions. Invitae Evidence Modeling of protein sequence and biophysical properties (such as structural, functional, and spatial information, amino acid conservation, physicochemical variation, residue mobility, and thermodynamic stability) indicates that this missense variant is not expected to disrupt NSD2 protein function with a negative predictive value of 80%. In summary, the available evidence is currently insufficient to determine the role of this variant in disease. Therefore, it has been classified as a Variant of Uncertain Significance.

NM_001042424.3(NSD2):c.1366G>A (p.Ala456Thr)

Gene: NSD2 (nuclear receptor binding SET domain protein 2; plus strand). Cytogenetic location: 4p16.3.
Variant type: single nucleotide variant.
Coding change: c.1366G>A on transcript NM_001042424.3 (MANE Select); coding-DNA position 1366, G replaced by A.
Protein change: p.Ala456Thr; replaces alanine 456 with threonine.
Molecular consequence: missense variant.
Genome position (GRCh38, 1-based): chr4:1,918,579, G>A. VCF-style: chr4-1918579-G-A. GRCh37 (hg19) VCF-style: chr4-1920306-G-A.
Other names: c.1366G>A, p.Ala456Thr (NM_001440897.1, NM_001440898.1, NM_007331.2 and 8 more transcripts); c.397G>A, p.Ala133Thr (NM_001440899.1, NM_001440900.1); c.1465G>A, p.Ala489Thr (NM_001440893.1); short protein forms A489T, A456T, A133T.
Identifiers: ClinVar variation 4781553 (VCV004781553.1).